The following is an entry in ClinVar:

NM_001130965.3(SUN1):c.1465C>G (p.Leu489Val)

Gene: SUN1 (Sad1 and UNC84 domain containing 1; plus strand). Cytogenetic location: 7p22.3.
Variant type: single nucleotide variant.
Coding change: c.1465C>G on transcript NM_001130965.3 (MANE Select); coding-DNA position 1465, C replaced by G.
Protein change: p.Leu489Val; replaces leucine 489 with valine.
Molecular consequence: missense variant. On other transcripts: non-coding transcript variant (3).
Genome position (GRCh38, 1-based): chr7:857,898, C>G. VCF-style: chr7-857898-C-G. GRCh37 (hg19) VCF-style: chr7-897535-C-G.
Other names: c.1747C>G, p.Leu583Val (NM_001367641.1, NM_001367682.1); c.1450C>G, p.Leu484Val (NM_001367642.1); c.1657C>G, p.Leu553Val (NM_001367643.1); c.1396C>G, p.Leu466Val (NM_001367644.1); c.1513C>G, p.Leu505Val (NM_001367645.1, NM_001367681.1); c.1594C>G, p.Leu532Val (NM_001367646.1, NM_001367707.1); c.1507C>G, p.Leu503Val (NM_001367647.1, NM_001367668.1); c.1327C>G, p.Leu443Val (NM_001367648.1); and 43 more; short protein forms L406V, L428V, L433V, L463V, L488V, L504V, L533V, L555V.
Identifiers: ClinVar variation 1966324 (VCV001966324.5), dbSNP rs1280462941, ClinGen allele CA366533021.

ClinVar aggregate classification (germline): Uncertain significance (1 of 4 stars; one submission).

Conditions:
Emery-Dreifuss muscular dystrophy (EDMD). Also called: Scapuloperoneal syndrome, X-linked (formerly); Humeroperoneal neuromuscular disease, (formerly). Identifiers: Orphanet 261, MedGen C0410189, MONDO:0016830.

Allele frequency attached by ClinVar (database versions not stated): gnomAD exomes below 0.00001; TOPMed below 0.00001.
gnomAD v4.1: 2 of 1,603,650 alleles (0.00012%); highest among the groups gnomAD compares: Non-Finnish European, 0.00017%; no homozygotes.

Submission:

Labcorp Genetics (formerly Invitae), Labcorp
Classification: Uncertain significance for Emery-Dreifuss muscular dystrophy. Last evaluated: 2024-09-24. Review status: criteria provided, single submitter. Criteria: Invitae Variant Classification Sherloc (09022015). Collection method: clinical testing. Allele origin: germline.
Comment: This sequence change replaces leucine, which is neutral and non-polar, with valine, which is neutral and non-polar, at codon 489 of the SUN1 protein (p.Leu489Val). This variant is present in population databases (no rsID available, gnomAD 0.007%). This variant has not been reported in the literature in individuals affected with SUN1-related conditions. ClinVar contains an entry for this variant (Variation ID: 1966324). An algorithm developed to predict the effect of missense changes on protein structure and function (PolyPhen-2) suggests that this variant is likely to be tolerated. In summary, the available evidence is currently insufficient to determine the role of this variant in disease. Therefore, it has been classified as a Variant of Uncertain Significance.